The following is an entry in ClinVar:

NM_000293.3(PHKB):c.1348A>T (p.Ile450Phe)

Gene: PHKB (phosphorylase kinase regulatory subunit beta; plus strand). Cytogenetic location: 16q12.1.
Variant type: single nucleotide variant.
Coding change: c.1348A>T on transcript NM_000293.3 (MANE Select); coding-DNA position 1348, A replaced by T.
Protein change: p.Ile450Phe; replaces isoleucine 450 with phenylalanine.
Molecular consequence: missense variant.
Genome position (GRCh38, 1-based): chr16:47,596,516, A>T. VCF-style: chr16-47596516-A-T. GRCh37 (hg19) VCF-style: chr16-47630427-A-T.
Other names: c.1327A>T, p.Ile443Phe (NM_001031835.3); c.1348A>T, p.Ile450Phe (NM_001363837.1); short protein forms I450F, I443F.
Identifiers: ClinVar variation 2058194 (VCV002058194.4), dbSNP rs757003045, ClinGen allele CA395800107.
Genomic context (GRCh38, chr16:47,596,516, plus strand): 5'-TTTCCTAGCAACTGTGGCCGTGATGGAAAACTGTTTCTTTGGGGACAAGCACTTTATATC[A>T]TCGCAAAACTCCTGGGTAAGTGGAGAAGATTGGGAATGGTATTTTTTTCCTTGTTATTAA-3'
Protein context (NP_000284.1, residues 440-460): LFLWGQALYI[Ile450Phe]AKLLADELIS

ClinVar aggregate classification (germline): Uncertain significance (1 of 4 stars; one submission).

Conditions:
Glycogen storage disease IXb (GSD9B). Also called: GLYCOGENOSIS OF LIVER AND MUSCLE, AUTOSOMAL RECESSIVE; GSD IXb; PHOSPHORYLASE KINASE DEFICIENCY OF LIVER AND MUSCLE, AUTOSOMAL RECESSIVE. Identifiers: Orphanet 79240, MedGen C0543514, MONDO:0009868, OMIM 261750.

Submission:

Labcorp Genetics (formerly Invitae), Labcorp
Classification: Uncertain significance for Glycogen storage disease IXb. Last evaluated: 2024-10-18. Review status: criteria provided, single submitter. Criteria: Invitae Variant Classification Sherloc (09022015). Collection method: clinical testing. Allele origin: germline.
Comment: This sequence change replaces isoleucine, which is neutral and non-polar, with phenylalanine, which is neutral and non-polar, at codon 450 of the PHKB protein (p.Ile450Phe). This variant is not present in population databases (gnomAD no frequency). This variant has not been reported in the literature in individuals affected with PHKB-related conditions. ClinVar contains an entry for this variant (Variation ID: 2058194). An algorithm developed to predict the effect of missense changes on protein structure and function (PolyPhen-2) suggests that this variant is likely to be disruptive. In summary, the available evidence is currently insufficient to determine the role of this variant in disease. Therefore, it has been classified as a Variant of Uncertain Significance.